The following is an entry in ClinVar:

NM_000045.4(ARG1):c.603del (p.Glu202fs)

Genes: ARG1 (arginase 1; plus strand), MED23 (mediator complex subunit 23; minus strand). Cytogenetic location: 6q23.2.
Variant type: Deletion.
Coding change: c.603del on transcript NM_000045.4 (MANE Select); coding-DNA position 603, one base deleted (T; older notation c.603delT).
Protein change: p.Glu202fs; shifts the reading frame from glutamic acid 202.
Molecular consequence: frameshift variant. On other transcripts: non-coding transcript variant (1), intron variant (2).
Genome position (GRCh38, 1-based): chr6:131,583,102, T deleted. VCF-style (leftmost placement, unchanged base first): chr6-131583101-CT-C. GRCh37 (hg19) VCF-style: chr6-131904241-CT-C.
Other names: c.603delT (NM_000045.3); c.627del, p.Glu210fs (NM_001244438.2); c.348del, p.Glu117fs (NM_001369020.1); c.4077+4607del (NM_001270521.2); c.4095+4607del (NM_015979.4); short protein forms E117fs, E202fs, E210fs.
Identifiers: ClinVar variation 2678311 (VCV002678311.5), dbSNP rs2482383894, ClinGen allele CA2695198353.

ClinVar aggregate classification (germline): Pathogenic. Review status: criteria provided, multiple submitters, no conflicts (2 of 4 stars). 3 submissions from 3 submitters: Pathogenic (3). Last evaluated 2026-08-07.

Conditions:
Arginase deficiency. Also called: ARGININEMIA; ARG1 DEFICIENCY; Arginase 1 Deficiency. Identifiers: Orphanet 90, MedGen C0268548, MONDO:0008814, OMIM 207800.
ARG1-related disorder. Also called: ARG1-related condition.

Submissions (3):

PreventionGenetics, part of Exact Sciences
Classification: Pathogenic for ARG1-related condition. Last evaluated: 2026-08-07. Review status: criteria provided, single submitter. Criteria: ACMG Guidelines, 2015. Collection method: clinical testing. Allele origin: germline.
Comment: The ARG1 c.603delT variant is predicted to result in a frameshift and premature protein termination (p.Glu202Lysfs*5). This variant has been reported in the homozygous state or with a second ARG1 variant in individuals with argininemia (Cui et al. 2022. PubMed ID: 35558983; Zhang et al. 2024. PubMed ID: 38582244). This variant has not been reported in a large population database (gnomAD), indicating it is rare. Frameshift variants in ARG1 are expected to be pathogenic. This variant is interpreted as pathogenic.

Labcorp Genetics (formerly Invitae), Labcorp
Classification: Pathogenic for Arginase deficiency. Last evaluated: 2023-09-05. Review status: criteria provided, single submitter. Criteria: Invitae Variant Classification Sherloc (09022015). Collection method: clinical testing. Allele origin: germline.
Comment: For these reasons, this variant has been classified as Pathogenic. This variant has not been reported in the literature in individuals affected with ARG1-related conditions. This variant is not present in population databases (gnomAD no frequency). This sequence change creates a premature translational stop signal (p.Glu202Lysfs*5) in the ARG1 gene. It is expected to result in an absent or disrupted protein product. Loss-of-function variants in ARG1 are known to be pathogenic (PMID: 7649538, 12052859).

Baylor Genetics
Classification: Pathogenic for Arginase deficiency. Last evaluated: 2022-07-26. Review status: criteria provided, single submitter. Criteria: ACMG Guidelines, 2015. Collection method: clinical testing. Allele origin: unknown.

Literature cited by the submitters: PubMed 7649538 (cited by Labcorp Genetics (formerly Invitae), Labcorp); PubMed 12052859 (cited by Labcorp Genetics (formerly Invitae), Labcorp).